The following is an entry in ClinVar:

ClinVar aggregate classification (germline): Likely benign (1 of 4 stars; one submission).

gnomAD v4.1: 2 of 1,612,058 alleles (0.00012%); highest among the groups gnomAD compares: Admixed American, 0.0033%; no homozygotes.

Submission:

CeGaT Center for Human Genetics Tuebingen
Classification: Likely benign. Last evaluated: 2025-06-01. Review status: criteria provided, single submitter. Criteria: CeGaT Center For Human Genetics Tuebingen Variant Classification Criteria Version 2. Collection method: clinical testing. Allele origin: germline. Affected: yes. Observed: 1 variant allele.
Comment: RET: BP4, BP7

NM_020975.6(RET):c.625+38G>C

Gene: RET (ret proto-oncogene; plus strand). Cytogenetic location: 10q11.21.
Variant type: single nucleotide variant.
Coding change: c.625+38G>C on transcript NM_020975.6 (MANE Select); 38 bases into the intron after coding-DNA position 625, G replaced by C.
Molecular consequence: intron variant.
Genome position (GRCh38, 1-based): chr10:43,102,667, G>C. VCF-style: chr10-43102667-G-C. GRCh37 (hg19) VCF-style: chr10-43598115-G-C.
Other names: c.625+38G>C (NM_020630.7, NM_001406743.1, NM_001406744.1 and 14 more transcripts); c.496+38G>C (NM_001406764.1, NM_001406762.1, NM_001406761.1 and 4 more transcripts); c.337+1945G>C (NM_001406770.1, NM_001406766.1, NM_001406767.1 and 8 more transcripts); c.74-6364G>C (NM_001406784.1); c.74-9432G>C (NM_001406794.1, NM_001406792.1, NM_001406793.1).
Identifiers: ClinVar variation 4085199 (VCV004085199.8).
Genomic context (GRCh38, chr10:43,102,667, plus strand): 5'-CGTGGCCTACAGGCTCCTGGAGGGTGAGTGCCGACCTTGTGGGGCCGCCCCACAGTGCCT[G>C]CTACTGCTGGTCTTGCTCTGCGAGCCCTTGACACAAGCCATCTGGTTTATTCTTCACCTT-3'